The following is an entry in ClinVar:

NM_183357.3(ADCY5):c.2969C>T (p.Thr990Met)

Gene: ADCY5 (adenylate cyclase 5; minus strand). Cytogenetic location: 3q21.1.
Variant type: single nucleotide variant.
Coding change: c.2969C>T on transcript NM_183357.3 (MANE Select); coding-DNA position 2969, C replaced by T.
Protein change: p.Thr990Met; replaces threonine 990 with methionine.
Molecular consequence: missense variant.
Genome position (GRCh38, 1-based): chr3:123,296,178, G>A on the plus strand (C>T on the coding strand, the complement: ADCY5 is on the minus strand). VCF-style: chr3-123296178-G-A. GRCh37 (hg19) VCF-style: chr3-123015025-G-A.
Other names: c.1919C>T, p.Thr640Met (NM_001199642.1); c.3044C>T, p.Thr1015Met (NM_001378259.1); short protein forms T1015M, T990M, T640M.
Identifiers: ClinVar variation 1439556 (VCV001439556.8), dbSNP rs145908478, ClinGen allele CA2576888.
Genomic context (GRCh38, chr3:123,296,178, plus strand): 5'-GACTCCACCTGCTGGGCGTGCAGGTACAGGGCCAGCACAAAGACTGAGATGATGATGGGC[G>A]TCACCACCTTCAATGCCACCTTGGTTGCATGCTCAGGGCTGTGGGGAGGTGGTGGACAGG-3'
Protein context (NP_899200.1, residues 980-1000): HATKVALKVV[Thr990Met]PIIISVFVLA

ClinVar aggregate classification (germline): Uncertain significance (1 of 4 stars; one submission).

Allele frequency attached by ClinVar (database versions not stated): gnomAD exomes below 0.00001 and 0.00002; ExAC 0.00001; gnomAD 0.00001; TOPMed 0.00001.
gnomAD v4.1: 25 of 1,613,812 alleles (0.0015%); highest among the groups gnomAD compares: South Asian, 0.0077%; no homozygotes.

Submission:

Labcorp Genetics (formerly Invitae), Labcorp
Classification: Uncertain significance. Last evaluated: 2021-03-13. Review status: criteria provided, single submitter. Criteria: Invitae Variant Classification Sherloc (09022015). Collection method: clinical testing. Allele origin: germline.
Comment: In summary, the available evidence is currently insufficient to determine the role of this variant in disease. Therefore, it has been classified as a Variant of Uncertain Significance. Algorithms developed to predict the effect of missense changes on protein structure and function are either unavailable or do not agree on the potential impact of this missense change (SIFT: "Deleterious"; PolyPhen-2: "Benign"; Align-GVGD: "Class C65"). This variant has not been reported in the literature in individuals with ADCY5-related conditions. This variant is present in population databases (rs145908478, ExAC 0.01%). This sequence change replaces threonine with methionine at codon 990 of the ADCY5 protein (p.Thr990Met). The threonine residue is highly conserved and there is a moderate physicochemical difference between threonine and methionine.